The following is an entry in ClinVar:

NM_001184.4(ATR):c.436A>G (p.Thr146Ala)

Gene: ATR (ATR checkpoint kinase; minus strand). Cytogenetic location: 3q23.
Variant type: single nucleotide variant.
Coding change: c.436A>G on transcript NM_001184.4 (MANE Select); coding-DNA position 436, A replaced by G.
Protein change: p.Thr146Ala; replaces threonine 146 with alanine.
Molecular consequence: missense variant.
Genome position (GRCh38, 1-based): chr3:142,562,966, T>C on the plus strand (A>G on the coding strand, the complement: ATR is on the minus strand). VCF-style: chr3-142562966-T-C. GRCh37 (hg19) VCF-style: chr3-142281808-T-C.
Other names: c.436A>G, p.Thr146Ala (NM_001354579.2); short protein forms T146A.
Identifiers: ClinVar variation 343622 (VCV000343622.7), dbSNP rs765018743, ClinGen allele CA2650767.

ClinVar aggregate classification (germline): Uncertain significance (1 of 4 stars; one submission).

Conditions:
Inborn genetic diseases. Identifiers: MedGen C0950123, MeSH D030342.

Allele frequency attached by ClinVar (database versions not stated): gnomAD exomes below 0.00001; TOPMed below 0.00001; ExAC 0.00001; gnomAD 0.00001.
gnomAD v4.1: 3 of 1,610,028 alleles (0.00019%); highest among the groups gnomAD compares: Admixed American, 0.0017%; no homozygotes.

Submission:

Ambry Genetics
Classification: Uncertain significance for Inborn genetic diseases. Last evaluated: 2023-07-15. Review status: criteria provided, single submitter. Criteria: Ambry Variant Classification Scheme 2023. Collection method: clinical testing. Allele origin: germline.
Comment: The p.T146A variant (also known as c.436A>G), located in coding exon 4 of the ATR gene, results from an A to G substitution at nucleotide position 436. The threonine at codon 146 is replaced by alanine, an amino acid with similar properties. This amino acid position is conserved. In addition, this alteration is predicted to be tolerated by in silico analysis. Since supporting evidence is limited at this time, the clinical significance of this alteration remains unclear.